The following is an entry in ClinVar:

NM_007294.4(BRCA1):c.4351G>A (p.Glu1451Lys)

Gene: BRCA1 (BRCA1 DNA repair associated; minus strand). Cytogenetic location: 17q21.31.
Variant type: single nucleotide variant.
Coding change: c.4351G>A on transcript NM_007294.4 (MANE Select); coding-DNA position 4351, G replaced by A.
Protein change: p.Glu1451Lys; replaces glutamic acid 1451 with lysine.
Molecular consequence: missense variant. On other transcripts: non-coding transcript variant (1).
Genome position (GRCh38, 1-based): chr17:43,082,410, C>T on the plus strand (G>A on the coding strand, the complement: BRCA1 is on the minus strand). VCF-style: chr17-43082410-C-T. GRCh37 (hg19) VCF-style: chr17-41234427-C-T.
Other names: c.4351G>A, p.Glu1451Lys (NM_001407858.1, NM_001407859.1, NM_001407581.1 and 23 more transcripts); c.4348G>A, p.Glu1450Lys (NM_001407860.1, NM_001407861.1, NM_001407587.1 and 21 more transcripts); c.4150G>A, p.Glu1384Lys (NM_001407862.1); c.4228G>A, p.Glu1410Lys (NM_001407863.1, NM_001407919.1, NM_001407937.1 and 13 more transcripts); c.4147G>A, p.Glu1383Lys (NM_001407874.1, NM_001407875.1); c.4141G>A, p.Glu1381Lys (NM_001407879.1, NM_001407881.1, NM_001407882.1 and 9 more transcripts); c.4138G>A, p.Glu1380Lys (NM_001407894.1, NM_001407895.1, NM_001407896.1 and 12 more transcripts); c.4135G>A, p.Glu1379Lys (NM_001407915.1); and 51 more; short protein forms E1451K, E1404K, E348K, E1324K, E1340K, E1361K, E1363K, E1408K.
Identifiers: ClinVar variation 482942 (VCV000482942.6), dbSNP rs1555583989, ClinGen allele CA10593023.
Genomic context (GRCh38, chr17:43,082,410, plus strand): 5'-AGGGGAAGGAAAGAATTTTGCTTAAGATATCAGTGTTTGGCCAACAATACACACCTTTTT[C>T]TGATGTGCTTTGTTCTGGATTTCGCAGGTCCTCAAGGGCAGAAGAGTCACTTATGATGGA-3'
Protein context (NP_009225.1, residues 1441-1461): DLRNPEQSTS[Glu1451Lys]KAVLTSQKSS

ClinVar aggregate classification (germline): Uncertain significance (1 of 4 stars; one submission).

Conditions:
Hereditary cancer-predisposing syndrome. Also called: Neoplastic Syndromes, Hereditary; Tumor predisposition; Hereditary Cancer Syndrome; Hereditary neoplastic syndrome. Identifiers: Orphanet 140162, MedGen C0027672, MeSH D009386, MONDO:0015356.

Allele frequency attached by ClinVar (database versions not stated): gnomAD exomes below 0.00001.
gnomAD v4.1: 2 of 1,613,042 alleles (0.00012%); highest among the groups gnomAD compares: Non-Finnish European, 0.00017%; no homozygotes.

Submission:

Ambry Genetics
Classification: Uncertain significance for Hereditary cancer-predisposing syndrome. Last evaluated: 2022-10-03. Review status: criteria provided, single submitter. Criteria: Ambry Variant Classification Scheme 2023. Collection method: clinical testing. Allele origin: germline.
Comment: The p.E1451K variant (also known as c.4351G>A), located in coding exon 11 of the BRCA1 gene, results from a G to A substitution at nucleotide position 4351. The glutamic acid at codon 1451 is replaced by lysine, an amino acid with similar properties. This amino acid position is not well conserved in available vertebrate species. In addition, the in silico prediction for this alteration is inconclusive. Since supporting evidence is limited at this time, the clinical significance of this alteration remains unclear.